The following is an entry in ClinVar:

NM_173854.6(SLC41A1):c.981G>A (p.Met327Ile)

Gene: SLC41A1 (solute carrier family 41 member 1; minus strand). Cytogenetic location: 1q32.1.
Variant type: single nucleotide variant.
Coding change: c.981G>A on transcript NM_173854.6 (MANE Select); coding-DNA position 981, G replaced by A.
Protein change: p.Met327Ile; replaces methionine 327 with isoleucine.
Molecular consequence: missense variant.
Genome position (GRCh38, 1-based): chr1:205,797,915, C>T on the plus strand (G>A on the coding strand, the complement: SLC41A1 is on the minus strand). VCF-style: chr1-205797915-C-T. GRCh37 (hg19) VCF-style: chr1-205767043-C-T.
Other names: short protein forms M327I.
Identifiers: ClinVar variation 4799087 (VCV004799087.1).
Genomic context (GRCh38, chr1:205,797,915, plus strand): 5'-TGGAAGGGTTGGAGTGGGGTAGGAGTGGATACTCAGGGCCCCAGCCTACCTGCTGATGGC[C>T]ATGGCAATGATAACAGGCTCCCAGCCCGAGTACAACACCTCCCTTGTGGCTGGACTTCGT-3'
Protein context (NP_776253.3, residues 317-337): YSGWEPVIIA[Met327Ile]AISSVGGLIL

ClinVar aggregate classification (germline): Uncertain significance (1 of 4 stars; one submission).

gnomAD v4.1: 2 of 1,614,124 alleles (0.00012%); highest among the groups gnomAD compares: African/African-American, 0.0013%; no homozygotes.

Submission:

Labcorp Genetics (formerly Invitae), Labcorp
Classification: Uncertain significance. Last evaluated: 2025-05-20. Review status: criteria provided, single submitter. Criteria: Invitae Variant Classification Sherloc (09022015). Collection method: clinical testing. Allele origin: germline.
Comment: This sequence change replaces methionine, which is neutral and non-polar, with isoleucine, which is neutral and non-polar, at codon 327 of the SLC41A1 protein (p.Met327Ile). This variant is present in population databases (rs773292995, gnomAD 0.007%). This variant has not been reported in the literature in individuals affected with SLC41A1-related conditions. An algorithm developed to predict the effect of missense changes on protein structure and function (PolyPhen-2) suggests that this variant is likely to be tolerated. In summary, the available evidence is currently insufficient to determine the role of this variant in disease. Therefore, it has been classified as a Variant of Uncertain Significance.